The following is an entry in ClinVar:

NM_016292.3(TRAP1):c.727G>A (p.Glu243Lys)

Gene: TRAP1 (TNF receptor associated protein 1; minus strand). Cytogenetic location: 16p13.3.
Variant type: single nucleotide variant.
Coding change: c.727G>A on transcript NM_016292.3 (MANE Select); coding-DNA position 727, G replaced by A.
Protein change: p.Glu243Lys; replaces glutamic acid 243 with lysine.
Molecular consequence: missense variant.
Genome position (GRCh38, 1-based): chr16:3,676,123, C>T on the plus strand (G>A on the coding strand, the complement: TRAP1 is on the minus strand). VCF-style: chr16-3676123-C-T. GRCh37 (hg19) VCF-style: chr16-3726124-C-T.
Other names: c.568G>A, p.Glu190Lys (NM_001272049.2); c.727G>A (NM_016292.2); short protein forms E190K, E243K.
Identifiers: ClinVar variation 2195546 (VCV002195546.6), dbSNP rs142136495, ClinGen allele CA7868517.

ClinVar aggregate classification (germline): Uncertain significance. Review status: criteria provided, multiple submitters, no conflicts (2 of 4 stars). 2 submissions from 2 submitters: Uncertain significance (2). Last evaluated 2025-12-09.

Allele frequency attached by ClinVar (database versions not stated): gnomAD 0.00003; gnomAD exomes 0.00004; TOPMed 0.00006; ESP Exome Variant Server 0.00008; ExAC 0.00010; 1000 Genomes Project 0.00020; 1000 Genomes Project 30x 0.00031.
gnomAD v4.1: 63 of 1,613,842 alleles (0.0039%); highest among the groups gnomAD compares: Admixed American, 0.018%; no homozygotes.

Submissions (2):

Ambry Genetics
Classification: Uncertain significance. Last evaluated: 2025-12-09. Review status: criteria provided, single submitter. Criteria: Ambry Variant Classification Scheme 2023. Collection method: clinical testing. Allele origin: germline.

Labcorp Genetics (formerly Invitae), Labcorp
Classification: Uncertain significance. Last evaluated: 2022-10-24. Review status: criteria provided, single submitter. Criteria: Invitae Variant Classification Sherloc (09022015). Collection method: clinical testing. Allele origin: germline.
Comment: This variant is present in population databases (rs142136495, gnomAD 0.03%). This sequence change replaces glutamic acid, which is acidic and polar, with lysine, which is basic and polar, at codon 243 of the TRAP1 protein (p.Glu243Lys). This variant has not been reported in the literature in individuals affected with TRAP1-related conditions. Advanced modeling of protein sequence and biophysical properties (such as structural, functional, and spatial information, amino acid conservation, physicochemical variation, residue mobility, and thermodynamic stability) performed at Invitae indicates that this missense variant is not expected to disrupt TRAP1 protein function. In summary, the available evidence is currently insufficient to determine the role of this variant in disease. Therefore, it has been classified as a Variant of Uncertain Significance.